The following is an entry in ClinVar:

NM_032608.7(MYO18B):c.4031A>G (p.Gln1344Arg)

Gene: MYO18B (myosin XVIIIB; plus strand). Cytogenetic location: 22q12.1.
Variant type: single nucleotide variant.
Coding change: c.4031A>G on transcript NM_032608.7 (MANE Select); coding-DNA position 4031, A replaced by G.
Protein change: p.Gln1344Arg; replaces glutamine 1344 with arginine.
Molecular consequence: missense variant.
Genome position (GRCh38, 1-based): chr22:25,874,365, A>G. VCF-style: chr22-25874365-A-G. GRCh37 (hg19) VCF-style: chr22-26270332-A-G.
Other names: c.4034A>G, p.Gln1345Arg (NM_001318245.2); short protein forms Q1344R, Q1345R.
Identifiers: ClinVar variation 4822649 (VCV004822649.4).
Genomic context (GRCh38, chr22:25,874,365, plus strand): 5'-TGATCTCCAGGCTTGAGAAGCAGCGAGAGAAGCTGGTATCTCAGAGCATCGTTCTCTTCC[A>G]GGCGGCTTGCAAGGGCTTTCTGTCTCGCCAGGAATTCAAGAAGCTGAAGGTACTGCATGC-3'
Protein context (NP_115997.5, residues 1334-1354): KLVSQSIVLF[Gln1344Arg]AACKGFLSRQ

ClinVar aggregate classification (germline): Uncertain significance (1 of 4 stars; one submission).

Submission:

CeGaT Center for Human Genetics Tuebingen
Classification: Uncertain significance. Last evaluated: 2026-03-01. Review status: criteria provided, single submitter. Criteria: CeGaT Center For Human Genetics Tuebingen Variant Classification Criteria Version 2. Collection method: clinical testing. Allele origin: germline. Affected: yes. Observed: 1 variant allele.
Comment: MYO18B: PM2